The following is an entry in ClinVar:

NM_005909.5(MAP1B):c.6007G>C (p.Asp2003His)

Gene: MAP1B (microtubule associated protein 1B; plus strand). Cytogenetic location: 5q13.2.
Variant type: single nucleotide variant.
Coding change: c.6007G>C on transcript NM_005909.5 (MANE Select); coding-DNA position 6007, G replaced by C.
Protein change: p.Asp2003His; replaces aspartic acid 2003 with histidine.
Molecular consequence: missense variant.
Genome position (GRCh38, 1-based): chr5:72,199,362, G>C. VCF-style: chr5-72199362-G-C. GRCh37 (hg19) VCF-style: chr5-71495189-G-C.
Other names: c.5629G>C, p.Asp1877His (NM_001324255.2); short protein forms D2003H, D1877H.
Identifiers: ClinVar variation 4981623 (VCV004981623.1).

ClinVar aggregate classification (germline): Likely benign (1 of 4 stars; one submission).

Conditions:
MAP1B-related disorder. Also called: MAP1B-related condition.

gnomAD v4.1: 593 of 1,614,082 alleles (0.037%); highest among the groups gnomAD compares: East Asian, 1.3%; 16 homozygotes.

Submission:

PreventionGenetics, part of Exact Sciences
Classification: Likely benign for MAP1B-related condition. Last evaluated: 2025-03-26. Review status: criteria provided, single submitter. Criteria: ACMG Guidelines, 2015. Collection method: clinical testing. Allele origin: germline.
Comment: This variant is classified as likely benign based on ACMG/AMP sequence variant interpretation guidelines (Richards et al. 2015 PMID: 25741868, with internal and published modifications).